The following is an entry in ClinVar:

NM_001430.5(EPAS1):c.-4G>A

Genes: EPAS1 (endothelial PAS domain protein 1; plus strand), LOC129933655 (ATAC-STARR-seq lymphoblastoid silent region 11447; plus strand). Cytogenetic location: 2p21.
Variant type: single nucleotide variant.
Coding change: c.-4G>A on transcript NM_001430.5 (MANE Select); 4 bases upstream of the start codon, G replaced by A.
Molecular consequence: 5 prime UTR variant.
Genome position (GRCh38, 1-based): chr2:46,297,908, G>A. VCF-style: chr2-46297908-G-A. GRCh37 (hg19) VCF-style: chr2-46525047-G-A.
Identifiers: ClinVar variation 336233 (VCV000336233.30), dbSNP rs535202677, ClinGen allele CA1644431.
Genomic context (GRCh38, chr2:46,297,908, plus strand): 5'-GCCCCCCACCCGCCAGGGAGCCCAGGTGCTCGGCGTCTGAACGTCTCAAAGGGCCACAGC[G>A]ACAATGACAGCTGACAAGGAGAAGAAAAGGTAAGCGGGCGTCCGGGCCGATCAGGGGGCC-3'

ClinVar aggregate classification (germline): Benign/Likely benign. Review status: criteria provided, multiple submitters, no conflicts (2 of 4 stars). 3 submissions from 3 submitters: Benign (1); Likely benign (2). Last evaluated 2022-03-01.

Conditions:
Erythrocytosis, familial, 4 (ECYT4). Identifiers: Orphanet 247511, MedGen C2673187, MONDO:0012729, OMIM 611783.

Allele frequency attached by ClinVar (database versions not stated): gnomAD 0.00014 and 0.00027; TOPMed 0.00029; gnomAD exomes 0.00046 and 0.00081; 1000 Genomes Project 0.00060; 1000 Genomes Project 30x 0.00062; ExAC 0.00094.
gnomAD v4.1: 709 of 1,612,138 alleles (0.044%); highest among the groups gnomAD compares: South Asian, 0.53%; 9 homozygotes.

Submissions (3):

CeGaT Center for Human Genetics Tuebingen
Classification: Benign. Last evaluated: 2022-03-01. Review status: criteria provided, single submitter. Criteria: CeGaT Center For Human Genetics Tuebingen Variant Classification Criteria Version 2. Collection method: clinical testing. Allele origin: germline. Affected: yes. Observed: 1 variant allele.
Comment: EPAS1: BS1, BS2

Illumina Laboratory Services, Illumina
Classification: Likely benign for Erythrocytosis, familial, 4. Last evaluated: 2017-04-27. Review status: criteria provided, single submitter. Criteria: ICSL Variant Classification Criteria 13 December 2019. Collection method: clinical testing. Allele origin: germline.
Comment: This variant was observed as part of a predisposition screen in an ostensibly healthy population. A literature search was performed for the gene, cDNA change, and amino acid change (where applicable). No publications were found based on this search. Allele frequency data from public databases allowed determination this variant is unlikely to cause disease. Therefore, this variant is classified as likely benign.

Breakthrough Genomics
Classification: Likely benign. Review status: criteria provided, single submitter. Criteria: ACMG Guidelines, 2015. Collection method: not provided. Allele origin: germline. Inheritance: Autosomal dominant inheritance. Affected: yes.